The following is an entry in ClinVar:

ClinVar aggregate classification (germline): Uncertain significance. Review status: criteria provided, multiple submitters, no conflicts (2 of 4 stars). 4 submissions from 4 submitters: Uncertain significance (4). Last evaluated 2024-10-15.

Conditions:
Cardiac arrhythmia. Also called: Arrhythmia; Cardiac rhythm disease. Identifiers: MedGen C0003811, MONDO:0007263, HP:0011675.
Atrial fibrillation, familial, 3 (ATFB3). Identifiers: MedGen C1837014, MONDO:0011857, OMIM 607554.
Short QT syndrome type 2. Identifiers: Orphanet 51083, MedGen C1865019, MONDO:0012313, OMIM 609621.
Long QT syndrome 1 (LQT1). Identifiers: Orphanet 101016, Orphanet 768, MedGen C4551647, MONDO:0100316, OMIM 192500, MONDO:0008646.
Jervell and Lange-Nielsen syndrome 1 (JLNS1). Also called: CARDIOAUDITORY SYNDROME OF JERVELL AND LANGE-NIELSEN; DEAFNESS, CONGENITAL, AND FUNCTIONAL HEART DISEASE; PROLONGED QT INTERVAL IN EKG AND SUDDEN DEATH; SURDO-CARDIAC SYNDROME. Identifiers: Orphanet 768, Orphanet 90647, MedGen C4551509, MONDO:0024540, OMIM 220400.
Long QT syndrome (LQTS). Identifiers: MedGen C0023976, MeSH D008133, MONDO:0002442. Disease mechanism: loss of function. Inheritance: Various modes of inheritance.

Allele frequency attached by ClinVar (database versions not stated): gnomAD exomes below 0.00001.
gnomAD v4.1: 4 of 1,583,884 alleles (0.00025%); highest among the groups gnomAD compares: Non-Finnish European, 0.00026%; no homozygotes.

Submissions (4):

Color Diagnostics, LLC DBA Color Health
Classification: Uncertain significance for Cardiac arrhythmia. Last evaluated: 2024-10-15. Review status: criteria provided, single submitter. Criteria: ACMG Guidelines, 2015. Collection method: clinical testing. Allele origin: germline.
Comment: This missense variant replaces cysteine with arginine at codon 642 of the KCNQ1 protein. Computational prediction is inconclusive regarding the impact of this variant on protein structure and function. To our knowledge, functional studies have not been reported for this variant. This variant has not been reported in individuals affected with cardiovascular disorders in the literature. This variant has not been identified in the general population by the Genome Aggregation Database (gnomAD). The available evidence is insufficient to determine the role of this variant in disease conclusively. Therefore, this variant is classified as a Variant of Uncertain Significance.

All of Us Research Program, National Institutes of Health
Classification: Uncertain significance for Long QT syndrome. Last evaluated: 2023-11-30. Review status: criteria provided, single submitter. Criteria: ACMG Guidelines, 2015. Collection method: clinical testing. Allele origin: germline. Inheritance: Autosomal dominant inheritance. Observed: 1 variant allele, 1 heterozygote.
Comment: This missense variant replaces cysteine with arginine at codon 642 of the KCNQ1 protein. Computational prediction is inconclusive regarding the impact of this variant on protein structure and function (internally defined REVEL score threshold 0.5 < inconclusive < 0.7, PMID: 27666373). To our knowledge, functional studies have not been reported for this variant. This variant has not been reported in individuals affected with cardiovascular disorders in the literature. This variant has not been identified in the general population by the Genome Aggregation Database (gnomAD). The available evidence is insufficient to determine the role of this variant in disease conclusively. Therefore, this variant is classified as a Variant of Uncertain Significance.

This study involves interpretation of variants in research participants for the purpose of population health screening. Participant phenotype was not available at the time of variant classification. Additional details can be found in publication PMID: 35346344, PMCID: PMC8962531

New York Genome Center
Classification: Uncertain significance for Long QT syndrome 1; Short QT syndrome type 2; Atrial fibrillation, familial, 3; Jervell and Lange-Nielsen syndrome 1. Last evaluated: 2022-04-20. Review status: criteria provided, single submitter. Criteria: NYGC Assertion Criteria 2020. Collection method: clinical testing. Allele origin: germline. Observed: 1 heterozygote.

Labcorp Genetics (formerly Invitae), Labcorp
Classification: Uncertain significance for Long QT syndrome. Last evaluated: 2021-11-15. Review status: criteria provided, single submitter. Criteria: Invitae Variant Classification Sherloc (09022015). Collection method: clinical testing. Allele origin: germline.
Comment: Algorithms developed to predict the effect of missense changes on protein structure and function are either unavailable or do not agree on the potential impact of this missense change (SIFT: "Deleterious"; PolyPhen-2: "Benign"; Align-GVGD: "Class C0"). In summary, the available evidence is currently insufficient to determine the role of this variant in disease. Therefore, it has been classified as a Variant of Uncertain Significance. ClinVar contains an entry for this variant (Variation ID: 923134). This variant has not been reported in the literature in individuals affected with KCNQ1-related conditions. This variant is not present in population databases (gnomAD no frequency). This sequence change replaces cysteine, which is neutral and slightly polar, with arginine, which is basic and polar, at codon 642 of the KCNQ1 protein (p.Cys642Arg).

NM_000218.3(KCNQ1):c.1924T>C (p.Cys642Arg)

Genes: KCNQ1 (potassium voltage-gated channel subfamily Q member 1; plus strand), KCNQ1-AS1 (KCNQ1 antisense RNA 1; minus strand). Cytogenetic location: 11p15.4.
Variant type: single nucleotide variant.
Coding change: c.1924T>C on transcript NM_000218.3 (MANE Select); coding-DNA position 1924, T replaced by C.
Protein change: p.Cys642Arg; replaces cysteine 642 with arginine.
Molecular consequence: missense variant.
Genome position (GRCh38, 1-based): chr11:2,847,896, T>C. VCF-style: chr11-2847896-T-C. GRCh37 (hg19) VCF-style: chr11-2869126-T-C.
Other names: c.1828T>C, p.Cys610Arg (NM_001406836.1); c.1654T>C, p.Cys552Arg (NM_001406837.1); c.1384T>C, p.Cys462Arg (NM_001406838.1); c.436T>C, p.Cys146Arg (NM_001406839.1); c.1543T>C, p.Cys515Arg (NM_181798.2); short protein forms C515R, C642R, C610R, C146R, C462R, C552R.
Identifiers: ClinVar variation 923134 (VCV000923134.15), dbSNP rs1410404016, ClinGen allele CA379140440.